The following is an entry in ClinVar:

ClinVar aggregate classification (germline): Uncertain significance (1 of 4 stars; one submission).

Conditions:
Inborn genetic diseases. Identifiers: MedGen C0950123, MeSH D030342.

Submission:

Ambry Genetics
Classification: Uncertain significance for Inborn genetic diseases. Last evaluated: 2023-07-29. Review status: criteria provided, single submitter. Criteria: Ambry Variant Classification Scheme 2023. Collection method: clinical testing. Allele origin: germline.
Comment: The p.P99Q variant (also known as c.296C>A), located in coding exon 3 of the MDH2 gene, results from a C to A substitution at nucleotide position 296. The proline at codon 99 is replaced by glutamine, an amino acid with similar properties. This amino acid position is conserved. In addition, the in silico prediction for this alteration is inconclusive. Since supporting evidence is limited at this time, the clinical significance of this alteration remains unclear.

NM_005918.4(MDH2):c.296C>A (p.Pro99Gln)

Gene: MDH2 (malate dehydrogenase 2; plus strand). Cytogenetic location: 7q11.23.
Variant type: single nucleotide variant.
Coding change: c.296C>A on transcript NM_005918.4 (MANE Select); coding-DNA position 296, C replaced by A.
Protein change: p.Pro99Gln; replaces proline 99 with glutamine.
Molecular consequence: missense variant. On other transcripts: 5 prime UTR variant (1).
Genome position (GRCh38, 1-based): chr7:76,057,470, C>A. VCF-style: chr7-76057470-C-A. GRCh37 (hg19) VCF-style: chr7-75686788-C-A.
Other names: c.296C>A, p.Pro99Gln (NM_001282403.2); c.-26C>A (NM_001282404.2); short protein forms P99Q.
Identifiers: ClinVar variation 2625189 (VCV002625189.2), dbSNP rs782598079, ClinGen allele CA367763574.
Genomic context (GRCh38, chr7:76,057,470, plus strand): 5'-GCTACCTCGGACCTGAACAGCTGCCTGACTGCCTGAAAGGTTGTGATGTGGTAGTTATTC[C>A]GGCTGGAGTCCCCAGAAAGCCAGGTTTGTGTTTGAAAGCCTTGTCTGGTACCTCCCCACG-3'
Protein context (NP_005909.2, residues 89-109): CLKGCDVVVI[Pro99Gln]AGVPRKPGMT